The following is an entry in ClinVar:

ClinVar aggregate classification (germline): Benign (1 of 4 stars; one submission).

Allele frequency attached by ClinVar (database versions not stated): ESP Exome Variant Server 0.28625; gnomAD 0.30293; 1000 Genomes Project 30x 0.31402; 1000 Genomes Project 0.32308; ExAC 0.35801.
gnomAD v4.1: 570,058 of 1,559,420 alleles (37%); highest among the groups gnomAD compares: East Asian, 56%; 109,038 homozygotes.

Submission:

Unidad de Genómica Garrahan, Hospital de Pediatría Garrahan
Classification: Benign. Last evaluated: 2024-01-24. Review status: criteria provided, single submitter. Criteria: ACMG Guidelines, 2015. Collection method: clinical testing. Allele origin: germline. Affected: no. Observed: 53 variant alleles.
Comment: This variant is classified as Benign based on local population frequency. This variant was detected in 60% of patients studied by a panel of primary immunodeficiencies. Number of patients: 53. Only high quality variants are reported.

NM_000234.3(LIG1):c.244-48A>G

Gene: LIG1 (DNA ligase 1; minus strand). Cytogenetic location: 19q13.33.
Variant type: single nucleotide variant.
Coding change: c.244-48A>G on transcript NM_000234.3 (MANE Select); 48 bases into the intron before coding-DNA position 244, A replaced by G.
Molecular consequence: intron variant.
Genome position (GRCh38, 1-based): chr19:48,157,188, T>C on the plus strand (A>G on the coding strand, the complement: LIG1 is on the minus strand). VCF-style: chr19-48157188-T-C. GRCh37 (hg19) VCF-style: chr19-48660445-T-C.
Other names: c.154-48A>G (NM_001289063.2, NM_001320971.2); c.244-48A>G (NM_001289064.2, NM_001320970.2).
Identifiers: ClinVar variation 2688391 (VCV002688391.2), dbSNP rs274862, ClinGen allele CA9547386.
Genomic context (GRCh38, chr19:48,157,188, plus strand): 5'-CCAGGGCAGGCTTCTGGAAGAGGAAAGAACAGTTCTAGAGTGAGCGGGGGAAGGAGGGAC[T>C]CCATTTTCCAAAAGTTGAGAGTAGAGGGGACTGAAACCTCTCTGTCTACCCTCCTTTCTG-3'